The following is an entry in ClinVar:

NM_198428.3(BBS9):c.2605C>T (p.His869Tyr)

Gene: BBS9 (Bardet-Biedl syndrome 9; plus strand). Cytogenetic location: 7p14.3.
Variant type: single nucleotide variant.
Coding change: c.2605C>T on transcript NM_198428.3 (MANE Select); coding-DNA position 2605, C replaced by T.
Protein change: p.His869Tyr; replaces histidine 869 with tyrosine.
Molecular consequence: missense variant. On other transcripts: non-coding transcript variant (3), intron variant (1).
Genome position (GRCh38, 1-based): chr7:33,604,948, C>T. VCF-style: chr7-33604948-C-T. GRCh37 (hg19) VCF-style: chr7-33644560-C-T.
Other names: c.2605C>T (NM_198428.2); c.2500C>T, p.His834Tyr (NM_001033604.2); c.2590C>T, p.His864Tyr (NM_001033605.2); c.2605C>T, p.His869Tyr (NM_001348036.1, NM_001348041.4, NM_001348043.3); c.2056C>T, p.His686Tyr (NM_001348037.3); c.2332C>T, p.His778Tyr (NM_001348038.3); c.2227C>T, p.His743Tyr (NM_001348039.3); c.2485C>T, p.His829Tyr (NM_001348040.3, NM_014451.4); and 4 more; short protein forms H686Y, H712Y, H743Y, H747Y, H778Y, H824Y, H829Y, H834Y.
Identifiers: ClinVar variation 1010964 (VCV001010964.8), dbSNP rs938197989, ClinGen allele CA156756409.
Genomic context (GRCh38, chr7:33,604,948, plus strand): 5'-TCAGACCTAGAAGAAAGATCAGTAGAACAAGACTCTACAGAACTGTTTACCAACCACAGA[C>T]ATCTCACTGCAGAGACACCCAGGCCTGGTAAGAGACTGGATGGCCTTCACAAGCGTTAGT-3'
Protein context (NP_940820.1, residues 859-879): DSTELFTNHR[His869Tyr]LTAETPRPEV

ClinVar aggregate classification (germline): Uncertain significance. Review status: criteria provided, multiple submitters, no conflicts (2 of 4 stars). 3 submissions from 3 submitters: Uncertain significance (3). Last evaluated 2026-05-28.

Conditions:
Bardet-Biedl syndrome (BBS). Identifiers: Orphanet 110, MedGen C0752166, MONDO:0015229.
Bardet-Biedl syndrome 9 (BBS9). Identifiers: Orphanet 110, MedGen C1859567, MONDO:0014437, OMIM 615986.
BBS9-related disorder. Also called: BBS9-related condition.

Allele frequency attached by ClinVar (database versions not stated): gnomAD exomes below 0.00001 and 0.00001; gnomAD 0.00003 and 0.00004; TOPMed 0.00003.
gnomAD v4.1: 14 of 1,612,592 alleles (0.00087%); highest among the groups gnomAD compares: African/African-American, 0.019%; no homozygotes.

Submissions (3):

PreventionGenetics, part of Exact Sciences
Classification: Uncertain significance for BBS9-related condition. Last evaluated: 2026-05-28. Review status: criteria provided, single submitter. Criteria: ACMG Guidelines, 2015. Collection method: clinical testing. Allele origin: germline.
Comment: The BBS9 c.2605C>T variant is predicted to result in the amino acid substitution p.His869Tyr. To our knowledge, this variant has not been reported in the literature. This variant is reported in 0.0080% of alleles in individuals of African descent in gnomAD. At this time, the clinical significance of this variant is uncertain due to the absence of conclusive functional and genetic evidence.

Fulgent Genetics
Classification: Uncertain significance for Bardet-Biedl syndrome 9. Last evaluated: 2024-05-06. Review status: criteria provided, single submitter. Criteria: ACMG Guidelines, 2015. Collection method: clinical testing. Allele origin: germline.

Labcorp Genetics (formerly Invitae), Labcorp
Classification: Uncertain significance for Bardet-Biedl syndrome. Last evaluated: 2022-02-10. Review status: criteria provided, single submitter. Criteria: Invitae Variant Classification Sherloc (09022015). Collection method: clinical testing. Allele origin: germline.
Comment: This sequence change replaces histidine, which is basic and polar, with tyrosine, which is neutral and polar, at codon 869 of the BBS9 protein (p.His869Tyr). This variant is present in population databases (no rsID available, gnomAD 0.008%). This variant has not been reported in the literature in individuals affected with BBS9-related conditions. ClinVar contains an entry for this variant (Variation ID: 1010964). Algorithms developed to predict the effect of missense changes on protein structure and function are either unavailable or do not agree on the potential impact of this missense change (SIFT: "Deleterious"; PolyPhen-2: "Benign"; Align-GVGD: "Class C0"). In summary, the available evidence is currently insufficient to determine the role of this variant in disease. Therefore, it has been classified as a Variant of Uncertain Significance.